The following is an entry in ClinVar:

ClinVar aggregate classification (germline): Uncertain significance (1 of 4 stars; one submission).

Submission:

Labcorp Genetics (formerly Invitae), Labcorp
Classification: Uncertain significance. Last evaluated: 2025-03-19. Review status: criteria provided, single submitter. Criteria: Invitae Variant Classification Sherloc (09022015). Collection method: clinical testing. Allele origin: germline.
Comment: This sequence change replaces alanine, which is neutral and non-polar, with valine, which is neutral and non-polar, at codon 988 of the UBE3B protein (p.Ala988Val). This variant is not present in population databases (gnomAD no frequency). This variant has not been reported in the literature in individuals affected with UBE3B-related conditions. Invitae Evidence Modeling of protein sequence and biophysical properties (such as structural, functional, and spatial information, amino acid conservation, physicochemical variation, residue mobility, and thermodynamic stability) indicates that this missense variant is not expected to disrupt UBE3B protein function with a negative predictive value of 80%. In summary, the available evidence is currently insufficient to determine the role of this variant in disease. Therefore, it has been classified as a Variant of Uncertain Significance.

NM_130466.4(UBE3B):c.2963C>T (p.Ala988Val)

Gene: UBE3B (ubiquitin protein ligase E3B; plus strand). Cytogenetic location: 12q24.11.
Variant type: single nucleotide variant.
Coding change: c.2963C>T on transcript NM_130466.4 (MANE Select); coding-DNA position 2963, C replaced by T.
Protein change: p.Ala988Val; replaces alanine 988 with valine.
Molecular consequence: missense variant.
Genome position (GRCh38, 1-based): chr12:109,533,506, C>T. VCF-style: chr12-109533506-C-T. GRCh37 (hg19) VCF-style: chr12-109971311-C-T.
Other names: c.2963C>T, p.Ala988Val (NM_183415.3); short protein forms A988V.
Identifiers: ClinVar variation 4746734 (VCV004746734.1).